The following is an entry in ClinVar:

ClinVar aggregate classification (germline): Uncertain significance (1 of 4 stars; one submission).

Allele frequency attached by ClinVar (database versions not stated): gnomAD exomes below 0.00001.

Submission:

Labcorp Genetics (formerly Invitae), Labcorp
Classification: Uncertain significance. Last evaluated: 2024-07-21. Review status: criteria provided, single submitter. Criteria: Invitae Variant Classification Sherloc (09022015). Collection method: clinical testing. Allele origin: germline.
Comment: This sequence change replaces phenylalanine, which is neutral and non-polar, with leucine, which is neutral and non-polar, at codon 586 of the CACNA1D protein (p.Phe586Leu). This variant is not present in population databases (gnomAD no frequency). This variant has not been reported in the literature in individuals affected with CACNA1D-related conditions. Advanced modeling of protein sequence and biophysical properties (such as structural, functional, and spatial information, amino acid conservation, physicochemical variation, residue mobility, and thermodynamic stability) performed at Invitae indicates that this missense variant is expected to disrupt CACNA1D protein function with a positive predictive value of 80%. In summary, the available evidence is currently insufficient to determine the role of this variant in disease. Therefore, it has been classified as a Variant of Uncertain Significance.

NM_001128840.3(CACNA1D):c.1696T>C (p.Phe566Leu)

Gene: CACNA1D (calcium voltage-gated channel subunit alpha1 D; plus strand). Cytogenetic location: 3p21.1.
Variant type: single nucleotide variant.
Coding change: c.1696T>C on transcript NM_001128840.3 (MANE Select); coding-DNA position 1696, T replaced by C.
Protein change: p.Phe566Leu; replaces phenylalanine 566 with leucine.
Molecular consequence: missense variant.
Genome position (GRCh38, 1-based): chr3:53,723,463, T>C. VCF-style: chr3-53723463-T-C. GRCh37 (hg19) VCF-style: chr3-53757490-T-C.
Other names: c.1756T>C, p.Phe586Leu (NM_000720.4); c.1696T>C, p.Phe566Leu (NM_001128839.3); short protein forms F566L, F586L.
Identifiers: ClinVar variation 2797875 (VCV002797875.3), dbSNP rs2473694945, ClinGen allele CA353236736.